The following is an entry in ClinVar:

ClinVar aggregate classification (germline): risk factor (0 of 4 stars; one submission).
ClinVar aggregate classification (somatic clinical impact): Tier I - Strong. Review status: criteria provided, single submitter (1 of 4 stars). 2 submissions from 1 submitter. Last evaluated 2025-04-03.
ClinVar aggregate classification (oncogenicity): Oncogenic (1 of 4 stars; one submission).

Conditions:
Acute myocardial infarction. Identifiers: MedGen C0155626, MONDO:0004781.
IDH-mutant and 1p/19q-codeleted oligodendroglioma. Identifiers: MedGen C4288558, MONDO:0859592.
Astrocytoma IDH-mutant. Identifiers: MedGen C5669733.
Neoplasm. Also called: Neoplasms; Neoplasm (disease); tumor. Identifiers: MedGen C0027651, MeSH D009369, MONDO:0005070, HP:0002664.

Allele frequency attached by ClinVar (database versions not stated): gnomAD exomes below 0.00001.

Submissions (4):

Institute for Genomic Medicine (IGM) Clinical Laboratory, Nationwide Children's Hospital
Classification: Tier I - Strong for IDH-mutant and 1p/19q-codeleted oligodendroglioma. Assertion type: diagnostic. Clinical significance: supports diagnosis. Last evaluated: 2025-04-03. Review status: criteria provided, single submitter. Criteria: AMP/ASCO/CAP Guidelines, 2017. Collection method: clinical testing. Allele origin: somatic. Affected: yes.
Comment: Variant has Tier I (strong) clinical significance as a diagnostic inclusion criterion in IDH-mutant and 1p/19q-codeleted oligodendroglioma, based on the following evidence: 1) Documented in one or more cancer databases (e.g., St. Jude Pecan, COSMIC, CIViC, OncoKB). 2) Appears in one or more well-established professional guidelines (e.g., World Health Organization [WHO]; National Comprehensive Cancer Network [NCCN]) as providing diagnostic, prognostic, or therapeutic information. 3) Information in the literature supports potential biologic effect of variant (PMIDs: 20171147, 25043045, 19228619). 4) Diagnostic for a specific tumor type/classification according to professional guidelines (Evidence Level A; PMIDs: 19554337, 22072542, 19228619, 26061751).

Center for Genomic Medicine, Rigshospitalet, Copenhagen University Hospital
Classification: Oncogenic for Neoplasm. Last evaluated: 2025-03-04. Review status: criteria provided, single submitter. Criteria: ClinGen/CGC/VICC Guidelines for Oncogenicity, 2022. Collection method: clinical testing. Allele origin: somatic. Affected: yes.

Institute for Genomic Medicine (IGM) Clinical Laboratory, Nationwide Children's Hospital
Classification: Tier I - Strong for Astrocytoma IDH-mutant. Assertion type: diagnostic. Clinical significance: supports diagnosis. Last evaluated: 2025-03-03. Review status: criteria provided, single submitter. Criteria: AMP/ASCO/CAP Guidelines, 2017. Collection method: clinical testing. Allele origin: somatic. Affected: yes.
Comment: Variant has Tier I (strong) clinical significance as a diagnostic inclusion criterion in Astrocytoma IDH-mutant, based on the following evidence: 1) Documented in one or more cancer databases (e.g., St. Jude Pecan, COSMIC, CIViC, OncoKB). 2) Appears in one or more well-established professional guidelines (e.g., World Health Organization [WHO]; National Comprehensive Cancer Network [NCCN]) as providing diagnostic, prognostic, or therapeutic information. 3) Information in the literature supports potential biologic effect of variant (PMIDs: 20171147, 25043045). 4) Diagnostic for a specific tumor type/classification according to professional guidelines (Evidence Level A; PMIDs: 19554337, 19228619, 34185076).

Clinical Pathology, Faculty of Medicine, Tanta University
Classification: risk factor for Acute myocardial infarction. Review status: no assertion criteria provided. Collection method: case-control. Allele origin: somatic. Affected: yes.

Literature cited by the submitters: PubMed 20171147 (cited by Institute for Genomic Medicine (IGM) Clinical Laboratory, Nationwide Children's Hospital and Center for Genomic Medicine, Rigshospitalet, Copenhagen University Hospital); PubMed 25043045 (cited by Institute for Genomic Medicine (IGM) Clinical Laboratory, Nationwide Children's Hospital); PubMed 19228619 (cited by Institute for Genomic Medicine (IGM) Clinical Laboratory, Nationwide Children's Hospital); PubMed 19554337 (cited by Institute for Genomic Medicine (IGM) Clinical Laboratory, Nationwide Children's Hospital); PubMed 22072542 (cited by Institute for Genomic Medicine (IGM) Clinical Laboratory, Nationwide Children's Hospital); PubMed 26061751 (cited by Institute for Genomic Medicine (IGM) Clinical Laboratory, Nationwide Children's Hospital); PubMed 21326614 (cited by Center for Genomic Medicine, Rigshospitalet, Copenhagen University Hospital); PubMed 34185076 (cited by Institute for Genomic Medicine (IGM) Clinical Laboratory, Nationwide Children's Hospital).

NM_002168.4(IDH2):c.515G>A (p.Arg172Lys)

Gene: IDH2 (isocitrate dehydrogenase (NADP(+)) 2; minus strand). Cytogenetic location: 15q26.1.
Variant type: single nucleotide variant.
Coding change: c.515G>A on transcript NM_002168.4 (MANE Select); coding-DNA position 515, G replaced by A.
Protein change: p.Arg172Lys; replaces arginine 172 with lysine.
Molecular consequence: missense variant.
Genome position (GRCh38, 1-based): chr15:90,088,606, C>T on the plus strand (G>A on the coding strand, the complement: IDH2 is on the minus strand). VCF-style: chr15-90088606-C-T. GRCh37 (hg19) VCF-style: chr15-90631838-C-T.
Other names: c.359G>A, p.Arg120Lys (NM_001289910.1); c.125G>A, p.Arg42Lys (NM_001290114.2); short protein forms R120K, R172K, R42K.
Identifiers: ClinVar variation 375987 (VCV000375987.26), dbSNP rs121913503, ClinGen allele CA16602462.